The following is an entry in ClinVar:

ClinVar aggregate classification (germline): Likely pathogenic (1 of 4 stars; one submission).

Submission:

Labcorp Genetics (formerly Invitae), Labcorp
Classification: Likely pathogenic. Last evaluated: 2022-03-25. Review status: criteria provided, single submitter. Criteria: Invitae Variant Classification Sherloc (09022015). Collection method: clinical testing. Allele origin: germline.
Comment: In summary, the currently available evidence indicates that the variant is pathogenic, but additional data are needed to prove that conclusively. Therefore, this variant has been classified as Likely Pathogenic. Algorithms developed to predict the effect of sequence changes on RNA splicing suggest that this variant may disrupt the consensus splice site. This variant has not been reported in the literature in individuals affected with MSH3-related conditions. This variant is not present in population databases (gnomAD no frequency). This sequence change affects a donor splice site in intron 8 of the MSH3 gene. It is expected to disrupt RNA splicing. Variants that disrupt the donor or acceptor splice site typically lead to a loss of protein function (PMID: 16199547), and loss-of-function variants in MSH3 are known to be pathogenic (PMID: 27476653).

Literature cited by the submitters: PubMed 16199547; PubMed 27476653.

NM_002439.5(MSH3):c.1340+1G>A

Gene: MSH3 (mutS homolog 3; plus strand). Cytogenetic location: 5q14.1.
Variant type: single nucleotide variant.
Coding change: c.1340+1G>A on transcript NM_002439.5 (MANE Select); the canonical splice donor site of the intron after coding-DNA position 1340, G replaced by A.
Molecular consequence: splice donor variant.
Genome position (GRCh38, 1-based): chr5:80,679,094, G>A. VCF-style: chr5-80679094-G-A. GRCh37 (hg19) VCF-style: chr5-79974913-G-A.
Identifiers: ClinVar variation 2116729 (VCV002116729.4), dbSNP rs1749909196, ClinGen allele CA360269153.